The following is an entry in ClinVar:

NM_001042432.2(CLN3):c.195dup (p.Lys66fs)

Gene: CLN3 (CLN3 lysosomal/endosomal transmembrane protein, battenin; minus strand). Cytogenetic location: 16p12.1.
Variant type: Duplication.
Coding change: c.195dup on transcript NM_001042432.2 (MANE Select); coding-DNA position 195, one base duplicated (C; older notation c.195dupC).
Protein change: p.Lys66fs; shifts the reading frame from lysine 66.
Molecular consequence: frameshift variant. On other transcripts: 5 prime UTR variant (1).
Genome position (GRCh38, 1-based): chr16:28,489,317, G duplicated on the plus strand (C on the coding strand, the reverse complement: CLN3 is on the minus strand). VCF-style (leftmost placement, unchanged base first): chr16-28489316-T-TG. GRCh37 (hg19) VCF-style: chr16-28500637-T-TG.
Other names: c.195dupC (NM_001042432.1); c.195dup, p.Lys66fs (NM_000086.2, NM_001286104.2); c.-26dup (NM_001286105.2); c.33dup, p.Lys12fs (NM_001286109.2, NM_001286110.2); short protein forms K66fs, K12fs.
Identifiers: ClinVar variation 550666 (VCV000550666.4), dbSNP rs1555469159, ClinGen allele CA658823868.

ClinVar aggregate classification (germline): Pathogenic. Review status: criteria provided, single submitter (1 of 4 stars). 2 submissions from 2 submitters: Pathogenic (1). 1 of the submissions does not count toward it. Last evaluated 2024-02-24.

Conditions:
Neuronal ceroid lipofuscinosis. Also called: Neuronal Ceroid Lipofuscinoses. Identifiers: Orphanet 216, Orphanet 79263, MedGen C0027877, MONDO:0016295. Disease mechanism: loss of function.
Neuronal ceroid lipofuscinosis 3 (CLN3). Identifiers: Orphanet 228346, MedGen C0751383, MONDO:0008767, OMIM 204200.

Submissions (2):

Labcorp Genetics (formerly Invitae), Labcorp
Classification: Pathogenic for Neuronal ceroid lipofuscinosis. Last evaluated: 2024-02-24. Review status: criteria provided, single submitter. Criteria: Invitae Variant Classification Sherloc (09022015). Collection method: clinical testing. Allele origin: germline.
Comment: This sequence change creates a premature translational stop signal (p.Lys66Glnfs*26) in the CLN3 gene. It is expected to result in an absent or disrupted protein product. Loss-of-function variants in CLN3 are known to be pathogenic (PMID: 9311735, 28542676). This variant is not present in population databases (gnomAD no frequency). This variant has not been reported in the literature in individuals affected with CLN3-related conditions. ClinVar contains an entry for this variant (Variation ID: 550666). For these reasons, this variant has been classified as Pathogenic.

Counsyl
Classification: Likely pathogenic for Neuronal ceroid lipofuscinosis 3. Last evaluated: 2017-02-07. Review status: no assertion criteria provided. Collection method: clinical testing. Allele origin: unknown. Not counted in ClinVar's aggregate classification.

Literature cited by the submitters: PubMed 9311735 (cited by Labcorp Genetics (formerly Invitae), Labcorp); PubMed 28542676 (cited by Labcorp Genetics (formerly Invitae), Labcorp).